The following is an entry in ClinVar:

ClinVar aggregate classification (germline): Uncertain significance (1 of 4 stars; one submission).

Submission:

Ambry Genetics
Classification: Uncertain significance. Last evaluated: 2021-12-06. Review status: criteria provided, single submitter. Criteria: Ambry Variant Classification Scheme 2023. Collection method: clinical testing. Allele origin: germline.
Comment: The p.K701N variant (also known as c.2103A>C), located in coding exon 13 of the POLQ gene, results from an A to C substitution at nucleotide position 2103. The lysine at codon 701 is replaced by asparagine, an amino acid with similar properties. This amino acid position is conserved. In addition, this alteration is predicted to be tolerated by in silico analysis. Since supporting evidence is limited at this time, the clinical significance of this alteration remains unclear.

NM_199420.4(POLQ):c.2103A>C (p.Lys701Asn)

Gene: POLQ (DNA polymerase theta; minus strand). Cytogenetic location: 3q13.33.
Variant type: single nucleotide variant.
Coding change: c.2103A>C on transcript NM_199420.4 (MANE Select); coding-DNA position 2103, A replaced by C.
Protein change: p.Lys701Asn; replaces lysine 701 with asparagine.
Molecular consequence: missense variant.
Genome position (GRCh38, 1-based): chr3:121,498,527, T>G on the plus strand (A>C on the coding strand, the complement: POLQ is on the minus strand). VCF-style: chr3-121498527-T-G. GRCh37 (hg19) VCF-style: chr3-121217374-T-G.
Other names: short protein forms K701N.
Identifiers: ClinVar variation 1785952 (VCV001785952.2), dbSNP rs2546794698, ClinGen allele CA354109970.